The following is an entry in ClinVar:

ClinVar aggregate classification (germline): Likely pathogenic (1 of 4 stars; one submission).

Conditions:
Diastrophic dysplasia (DTD). Also called: Diastrophic dwarfism. Identifiers: Orphanet 628, MedGen C0220726, MONDO:0009107, OMIM 222600.

gnomAD v4.1: 2 of 1,614,160 alleles (0.00012%); highest among the groups gnomAD compares: South Asian, 0.0011%; no homozygotes.

Submission:

Laboratory of Functional Genomics, Research Centre for Medical Genetics
Classification: Likely pathogenic for Diastrophic dysplasia. Last evaluated: 2025-11-25. Review status: criteria provided, single submitter. Criteria: ACMG Guidelines, 2015. Collection method: clinical testing, in vitro. Allele origin: germline, not applicable. Inheritance: Autosomal recessive inheritance. Affected: yes. Observed: 1 variant allele. Functional consequence: decreased enzyme activity.
Comment: This variant is present in the gnomAD v4.1.0 database with a total AF of 1.24e-6 (2/1614160 alleles). Sulfate uptake assays performed on patient fibroblasts revealed a significant reduction in the transmembrane transporter activity of SLC26A2.

NM_000112.4(SLC26A2):c.944T>C (p.Leu315Pro)

Gene: SLC26A2 (solute carrier family 26 member 2; plus strand). Cytogenetic location: 5q32.
Variant type: single nucleotide variant.
Coding change: c.944T>C on transcript NM_000112.4 (MANE Select); coding-DNA position 944, T replaced by C.
Protein change: p.Leu315Pro; replaces leucine 315 with proline.
Molecular consequence: missense variant.
Genome position (GRCh38, 1-based): chr5:149,980,537, T>C. VCF-style: chr5-149980537-T-C. GRCh37 (hg19) VCF-style: chr5-149360100-T-C.
Other names: short protein forms L315P.
Identifiers: ClinVar variation 4823941 (VCV004823941.1).
Genomic context (GRCh38, chr5:149,980,537, plus strand): 5'-GAAACATCCATAAGACCAATCTCTGTGATCTTATCACCAGCCTTTTGTGCCTTTTGGTTC[T>C]TTTGCCAACCAAAGAACTCAATGAACACTTCAAATCCAAGCTTAAGGCACCGATTCCTAT-3'
Protein context (NP_000103.2, residues 305-325): LITSLLCLLV[Leu315Pro]LPTKELNEHF